The following is an entry in ClinVar:

ClinVar aggregate classification (germline): Uncertain significance. Review status: criteria provided, multiple submitters, no conflicts (2 of 4 stars). 2 submissions from 2 submitters: Uncertain significance (2). Last evaluated 2026-01-15.

Submissions (2):

GeneDx
Classification: Uncertain significance. Last evaluated: 2026-01-15. Review status: criteria provided, single submitter. Criteria: GeneDx Variant Classification Process June 2021. Collection method: clinical testing. Allele origin: germline.
Comment: Not observed at significant frequency in large population cohorts (gnomAD); In silico analysis supports that this missense variant has a deleterious effect on protein structure/function; Has not been previously published as pathogenic or benign to our knowledge

Labcorp Genetics (formerly Invitae), Labcorp
Classification: Uncertain significance. Last evaluated: 2024-03-02. Review status: criteria provided, single submitter. Criteria: Invitae Variant Classification Sherloc (09022015). Collection method: clinical testing. Allele origin: germline.
Comment: This sequence change replaces arginine, which is basic and polar, with proline, which is neutral and non-polar, at codon 22 of the PPP1CB protein (p.Arg22Pro). This variant is not present in population databases (gnomAD no frequency). This variant has not been reported in the literature in individuals affected with PPP1CB-related conditions. An algorithm developed to predict the effect of missense changes on protein structure and function (PolyPhen-2) suggests that this variant is likely to be tolerated. In summary, the available evidence is currently insufficient to determine the role of this variant in disease. Therefore, it has been classified as a Variant of Uncertain Significance.

NM_002709.3(PPP1CB):c.65G>C (p.Arg22Pro)

Gene: PPP1CB (protein phosphatase 1 catalytic subunit beta; plus strand). Cytogenetic location: 2p23.2.
Variant type: single nucleotide variant.
Coding change: c.65G>C on transcript NM_002709.3 (MANE Select); coding-DNA position 65, G replaced by C.
Protein change: p.Arg22Pro; replaces arginine 22 with proline.
Molecular consequence: missense variant.
Genome position (GRCh38, 1-based): chr2:28,776,863, G>C. VCF-style: chr2-28776863-G-C. GRCh37 (hg19) VCF-style: chr2-28999729-G-C.
Other names: c.65G>C, p.Arg22Pro (NM_206876.2); c.65G>C (NM_206876.1); short protein forms R22P.
Identifiers: ClinVar variation 3643987 (VCV003643987.4).